The following is an entry in ClinVar:

ClinVar aggregate classification (germline): Pathogenic (1 of 4 stars; one submission).

Conditions:
VPS13A-related neurodegenerative disease. Also called: ACANTHOCYTOSIS WITH NEUROLOGIC DISORDER; LEVINE-CRITCHLEY SYNDROME; Choreoacanthocytosis; Chorea-acanthocytosis; Choreaacanthocytosis; VPS13A Disease. Identifiers: Orphanet 2388, MedGen C0393576, MONDO:0008695, OMIM 200150.

Submission:

Myriad Genetics, Inc.
Classification: Pathogenic for VPS13A-related neurodegenerative disease. Last evaluated: 2024-05-14. Review status: criteria provided, single submitter. Criteria: Myriad Autosomal Dominant, Autosomal Recessive and X-Linked Classification Criteria (2023). Collection method: clinical testing. Allele origin: unknown.
Comment: NM_033305.2(VPS13A):c.200_201ins14(I68Qfs*6) is expected to be pathogenic in the context of VPS13A disease. This variant is predicted to lead to an abnormal or absent protein product due to the creation of a premature termination codon in VPS13A, a gene where loss-of-function variants are known to be pathogenic. Please note: this variant was assessed in the context of healthy population screening.

NM_033305.3(VPS13A):c.200_201insACAAAAACACTATG (p.Ile68fs)

Gene: VPS13A (vacuolar protein sorting 13 homolog A; plus strand). Cytogenetic location: 9q21.2.
Variant type: Insertion.
Coding change: c.200_201insACAAAAACACTATG on transcript NM_033305.3 (MANE Select); coding-DNA positions 200 to 201, ACAAAAACACTATG inserted.
Protein change: p.Ile68fs; shifts the reading frame from isoleucine 68.
Molecular consequence: frameshift variant.
Genome position: GRCh38 VCF-style: chr9-77205325-T-TACAAAAACACTATG. GRCh37 (hg19) VCF-style: chr9-79820241-T-TACAAAAACACTATG.
Other names: c.200_201insACAAAAACACTATG, p.Ile68fs (NM_001018037.2, NM_001018038.3, NM_015186.4); short protein forms I68fs.
Identifiers: ClinVar variation 5016337 (VCV005016337.1).